The following is an entry in ClinVar:

NM_001367624.2(ZNF469):c.4798G>A (p.Gly1600Ser)

Gene: ZNF469 (zinc finger protein 469; plus strand). Cytogenetic location: 16q24.2.
Variant type: single nucleotide variant.
Coding change: c.4798G>A on transcript NM_001367624.2 (MANE Select); coding-DNA position 4798, G replaced by A.
Protein change: p.Gly1600Ser; replaces glycine 1600 with serine.
Molecular consequence: missense variant.
Genome position (GRCh38, 1-based): chr16:88,432,268, G>A. VCF-style: chr16-88432268-G-A. GRCh37 (hg19) VCF-style: chr16-88498676-G-A.
Other names: NM_001127464.1:c.4714G>A; short protein forms G1600S.
Identifiers: ClinVar variation 1305463 (VCV001305463.4), dbSNP rs748152457, ClinGen allele CA8225007.

ClinVar aggregate classification (germline): Uncertain significance. Review status: criteria provided, multiple submitters, no conflicts (2 of 4 stars). 3 submissions from 3 submitters: Uncertain significance (3). Last evaluated 2024-09-04.

Conditions:
Cardiovascular phenotype. Identifiers: MedGen CN230736.

Allele frequency attached by ClinVar (database versions not stated): gnomAD 0.00001; ExAC 0.00012; 1000 Genomes Project 30x 0.00016.
gnomAD v4.1: 37 of 1,547,390 alleles (0.0024%); highest among the groups gnomAD compares: South Asian, 0.017%; no homozygotes.

Submissions (3):

Ambry Genetics
Classification: Uncertain significance for Cardiovascular phenotype. Last evaluated: 2024-09-04. Review status: criteria provided, single submitter. Criteria: Ambry Variant Classification Scheme 2023. Collection method: clinical testing. Allele origin: germline.
Comment: The p.G1572S variant (also known as c.4714G>A), located in coding exon 2 of the ZNF469 gene, results from a G to A substitution at nucleotide position 4714. The glycine at codon 1572 is replaced by serine, an amino acid with similar properties. This amino acid position is conserved. In addition, this alteration is predicted to be tolerated by in silico analysis. Based on the available evidence, the clinical significance of this variant remains unclear.

GeneDx
Classification: Uncertain significance. Last evaluated: 2019-04-26. Review status: criteria provided, single submitter. Criteria: GeneDx Variant Classification Process June 2021. Collection method: clinical testing. Allele origin: germline. Affected: yes.

Breakthrough Genomics
Classification: Uncertain significance. Review status: criteria provided, single submitter. Criteria: ACMG Guidelines, 2015. Collection method: not provided. Allele origin: germline. Inheritance: Autosomal recessive inheritance. Affected: yes.